The following is an entry in ClinVar:

ClinVar aggregate classification (germline): other (0 of 4 stars; one submission).

Conditions:
Familial colorectal cancer. Identifiers: MedGen CN280943, MONDO:0023113. Disease mechanism: loss of function.

Submission:

Systems Biology Platform Zhejiang California International NanoSystems Institute
Classification: other for Familial colorectal cancer. Review status: no assertion criteria provided. Collection method: not provided. Allele origin: unknown.
ClinVar note: Converted during submission from cancer to other.

NM_000038.6(APC):c.-19+7795A>C

Gene: APC (APC regulator of WNT signaling pathway; plus strand). Cytogenetic location: 5q22.2.
Variant type: single nucleotide variant.
Coding change: c.-19+7795A>C on transcript NM_000038.6 (MANE Select); 7795 bases into the intron after 19 bases upstream of the start codon, A replaced by C.
Molecular consequence: intron variant.
Genome position (GRCh38, 1-based): chr5:112,745,720, A>C. VCF-style: chr5-112745720-A-C. GRCh37 (hg19) VCF-style: chr5-112081417-A-C.
Other names: c.-18-9153A>C (NM_001354895.2); c.166-20606A>C (NM_001354897.2, NM_001354902.2, NM_001127511.3); c.-19+7260A>C (NM_001127510.3); c.60+7260A>C (NM_001354898.2, NM_001354904.2); c.-1054+7795A>C (NM_001354906.2); c.-19+7795A>C (NM_001354896.2, NM_001354903.2, NM_001354899.2); c.-43+7795A>C (NM_001354900.2, NM_001354901.2, NM_001354905.2).
Identifiers: ClinVar variation 82776 (VCV000082776.2), dbSNP rs76173496, ClinGen allele CA007047.